The following is an entry in ClinVar:

NM_000039.3(APOA1):c.435G>C (p.Pro145=)

Genes: APOA1 (apolipoprotein A1; minus strand), APOA1-AS (APOA1 antisense RNA; plus strand). Cytogenetic location: 11q23.3.
Variant type: single nucleotide variant.
Coding change: c.435G>C on transcript NM_000039.3 (MANE Select); coding-DNA position 435, G replaced by C.
Protein change: p.Pro145=; no amino-acid change (proline 145 retained).
Molecular consequence: synonymous variant. On other transcripts: non-coding transcript variant (1).
Genome position (GRCh38, 1-based): chr11:116,836,177, C>G on the plus strand (G>C on the coding strand, the complement: APOA1 is on the minus strand). VCF-style: chr11-116836177-C-G. GRCh37 (hg19) VCF-style: chr11-116706893-C-G.
Other names: p.Pro145=; c.435G>C, p.Pro145= (NM_001318017.2, NM_001318018.2); c.108G>C, p.Pro36= (NM_001318021.2); c.435G>C (NM_000039.2).
Identifiers: ClinVar variation 1634611 (VCV001634611.13), dbSNP rs759104683, ClinGen allele CA6289806.
Genomic context (GRCh38, chr11:116,836,177, plus strand): 5'-CAGCTTCTCTTGCAGCTCGTGCAGCTTCTGGCGCGCGCCCTCTTGGAGCTCTGCGCGCAG[C>G]GGCTCCACCTTCTGGCGGTAGAGCTCCATCTCCTCCTGCCACTTCTTCTGGAAGTCGTCC-3'
Protein context (NP_000030.1, residues 135-155): EMELYRQKVE[Pro145=]LRAELQEGAR

ClinVar aggregate classification (germline): Likely benign. Review status: criteria provided, multiple submitters, no conflicts (2 of 4 stars). 6 submissions from 6 submitters: Likely benign (6). Last evaluated 2026-07-14.

Conditions:
APOA1-related disorder. Also called: APOA1-related condition.
Cardiovascular phenotype. Identifiers: MedGen CN230736.

Allele frequency attached by ClinVar (database versions not stated): gnomAD 0.00002; TOPMed 0.00005; ExAC 0.00009; gnomAD exomes 0.00010.

Submissions (6):

PreventionGenetics, part of Exact Sciences
Classification: Likely benign for APOA1-related condition. Last evaluated: 2026-07-14. Review status: criteria provided, single submitter. Criteria: ACMG Guidelines, 2015. Collection method: clinical testing. Allele origin: germline.
Comment: This variant is classified as likely benign based on ACMG/AMP sequence variant interpretation guidelines (Richards et al. 2015 PMID: 25741868, with internal and published modifications).

Labcorp Genetics (formerly Invitae), Labcorp
Classification: Likely benign. Last evaluated: 2025-12-25. Review status: criteria provided, single submitter. Criteria: Invitae Variant Classification Sherloc (09022015). Collection method: clinical testing. Allele origin: germline.

Mayo Clinic Laboratories, Mayo Clinic
Classification: Likely benign. Last evaluated: 2025-12-06. Review status: criteria provided, single submitter. Criteria: ACMG Guidelines, 2015. Collection method: clinical testing. Allele origin: germline. Observed: 1 variant allele.
Comment: BP4, BP7

Blueprint Genetics
Classification: Likely benign. Last evaluated: 2024-02-09. Review status: criteria provided, single submitter. Criteria: ACMG Guidelines, 2015. Collection method: clinical testing. Allele origin: germline.

Ambry Genetics
Classification: Likely benign for Cardiovascular phenotype. Last evaluated: 2019-05-19. Review status: criteria provided, single submitter. Criteria: Ambry Variant Classification Scheme 2023. Collection method: clinical testing. Allele origin: germline.

Breakthrough Genomics
Classification: Likely benign. Review status: criteria provided, single submitter. Criteria: ACMG Guidelines, 2015. Collection method: not provided. Allele origin: germline. Inheritance: Autosomal recessive inheritance. Affected: yes.